The following is an entry in ClinVar:

NM_000051.4(ATM):c.8886G>C (p.Met2962Ile)

Genes: ATM (ATM serine/threonine kinase; plus strand), C11orf65 (chromosome 11 open reading frame 65; minus strand). Cytogenetic location: 11q22.3.
Variant type: single nucleotide variant.
Coding change: c.8886G>C on transcript NM_000051.4 (MANE Select); coding-DNA position 8886, G replaced by C.
Protein change: p.Met2962Ile; replaces methionine 2962 with isoleucine.
Molecular consequence: missense variant. On other transcripts: intron variant (2).
Genome position (GRCh38, 1-based): chr11:108,365,117, G>C. VCF-style: chr11-108365117-G-C. GRCh37 (hg19) VCF-style: chr11-108235844-G-C.
Other names: c.8886G>C, p.Met2962Ile (NM_001351834.2); c.640+20803C>G (NM_001330368.2); c.694+20803C>G (NM_001351110.2); short protein forms M2962I.
Identifiers: ClinVar variation 3720491 (VCV003720491.2).

ClinVar aggregate classification (germline): Uncertain significance (1 of 4 stars; one submission).

Conditions:
Ataxia-telangiectasia syndrome (AT). Also called: Ataxia-telangiectasia, complementation group D; AT, COMPLEMENTATION GROUP C; ATAXIA-TELANGIECTASIA, COMPLEMENTATION GROUP A; ATAXIA-TELANGIECTASIA, FRESNO VARIANT; Ataxia-telangiectasia; Ataxia-telangiectasia, complementation group E. Identifiers: Orphanet 100, MedGen C0004135, MONDO:0008840, OMIM 208900.

Submission:

Labcorp Genetics (formerly Invitae), Labcorp
Classification: Uncertain significance for Ataxia-telangiectasia syndrome. Last evaluated: 2024-11-24. Review status: criteria provided, single submitter. Criteria: Invitae Variant Classification Sherloc (09022015). Collection method: clinical testing. Allele origin: germline.
Comment: This sequence change replaces methionine, which is neutral and non-polar, with isoleucine, which is neutral and non-polar, at codon 2962 of the ATM protein (p.Met2962Ile). This variant is not present in population databases (gnomAD no frequency). This variant has not been reported in the literature in individuals affected with ATM-related conditions. Invitae Evidence Modeling of protein sequence and biophysical properties (such as structural, functional, and spatial information, amino acid conservation, physicochemical variation, residue mobility, and thermodynamic stability) indicates that this missense variant is not expected to disrupt ATM protein function with a negative predictive value of 95%. In summary, the available evidence is currently insufficient to determine the role of this variant in disease. Therefore, it has been classified as a Variant of Uncertain Significance.